The following is an entry in ClinVar:

NM_001148.6(ANK2):c.9560G>A (p.Ser3187Asn)

Gene: ANK2 (ankyrin 2; plus strand). Cytogenetic location: 4q26.
Variant type: single nucleotide variant.
Coding change: c.9560G>A on transcript NM_001148.6 (MANE Select); coding-DNA position 9560, G replaced by A.
Protein change: p.Ser3187Asn; replaces serine 3187 with asparagine.
Molecular consequence: missense variant. On other transcripts: intron variant (68).
Genome position (GRCh38, 1-based): chr4:113,358,178, G>A. VCF-style: chr4-113358178-G-A. GRCh37 (hg19) VCF-style: chr4-114279334-G-A.
Other names: c.9326G>A, p.Ser3109Asn (NM_001386142.1); c.5960G>A, p.Ser1987Asn (NM_001386166.1); c.9701G>A, p.Ser3234Asn (NM_001386174.1); c.9677G>A, p.Ser3226Asn (NM_001386175.1); c.4412-2645G>A (NM_001386186.2, NM_001386148.2); c.4214-2645G>A (NM_001354269.3); c.4292-2645G>A (NM_001386187.2); c.4253-2645G>A (NM_001386147.1); and 35 more; short protein forms S3109N, S1987N, S3187N, S3226N, S3234N.
Identifiers: ClinVar variation 3864268 (VCV003864268.1).
Genomic context (GRCh38, chr4:113,358,178, plus strand): 5'-CACTTTCAGAATCAAAAGAAACAGTGGATGATGAGGCAGACTTACTTCCAGATGACGTGA[G>A]TGAGGAAGTAGAGGAAATACCTGCTTCGGATGCTCAACTTAACTCCCAAATGGGGATTTC-3'
Protein context (NP_001139.3, residues 3177-3197): DEADLLPDDV[Ser3187Asn]EEVEEIPASD

ClinVar aggregate classification (germline): Uncertain significance (1 of 4 stars; one submission).

Conditions:
Cardiovascular phenotype. Identifiers: MedGen CN230736.

gnomAD v4.1: 4 of 1,614,080 alleles (0.00025%); highest among the groups gnomAD compares: Non-Finnish European, 0.00034%; no homozygotes.

Submission:

Ambry Genetics
Classification: Uncertain significance for Cardiovascular phenotype. Last evaluated: 2025-02-23. Review status: criteria provided, single submitter. Criteria: Ambry Variant Classification Scheme 2023. Collection method: clinical testing. Allele origin: germline.
Comment: The p.S3187N variant (also known as c.9560G>A), located in coding exon 38 of the ANK2 gene, results from a G to A substitution at nucleotide position 9560. The serine at codon 3187 is replaced by asparagine, an amino acid with highly similar properties. This amino acid position is conserved. In addition, this alteration is predicted to be tolerated by in silico analysis. Based on the available evidence, the clinical significance of this variant remains unclear.